The following is an entry in ClinVar:

ClinVar aggregate classification (germline): Uncertain significance (1 of 4 stars; one submission).

Conditions:
RYR1-related disorder. Also called: RYR1-related condition; RYR1-related disorders. Identifiers: MedGen CN239331.

Allele frequency attached by ClinVar (database versions not stated): TOPMed 0.00002.

Submission:

Labcorp Genetics (formerly Invitae), Labcorp
Classification: Uncertain significance for RYR1-related disorder. Last evaluated: 2022-09-14. Review status: criteria provided, single submitter. Criteria: Invitae Variant Classification Sherloc (09022015). Collection method: clinical testing. Allele origin: germline.
Comment: This sequence change replaces alanine, which is neutral and non-polar, with threonine, which is neutral and polar, at codon 4351 of the RYR1 protein (p.Ala4351Thr). This variant is not present in population databases (gnomAD no frequency). This variant has not been reported in the literature in individuals affected with RYR1-related conditions. Advanced modeling of protein sequence and biophysical properties (such as structural, functional, and spatial information, amino acid conservation, physicochemical variation, residue mobility, and thermodynamic stability) performed at Invitae indicates that this missense variant is not expected to disrupt RYR1 protein function. In summary, the available evidence is currently insufficient to determine the role of this variant in disease. Therefore, it has been classified as a Variant of Uncertain Significance.

NM_000540.3(RYR1):c.13051G>A (p.Ala4351Thr)

Gene: RYR1 (ryanodine receptor 1; plus strand). Cytogenetic location: 19q13.2.
Variant type: single nucleotide variant.
Coding change: c.13051G>A on transcript NM_000540.3 (MANE Select); coding-DNA position 13051, G replaced by A.
Protein change: p.Ala4351Thr; replaces alanine 4351 with threonine.
Molecular consequence: missense variant.
Genome position (GRCh38, 1-based): chr19:38,565,385, G>A. VCF-style: chr19-38565385-G-A. GRCh37 (hg19) VCF-style: chr19-39056025-G-A.
Other names: c.13036G>A, p.Ala4346Thr (NM_001042723.2); short protein forms A4346T, A4351T.
Identifiers: ClinVar variation 2413499 (VCV002413499.3), dbSNP rs1227924039, ClinGen allele CA080780.
Genomic context (GRCh38, chr19:38,565,385, plus strand): 5'-GCAGTGGCGGCGCTGCTCTGGGCAGCAGTGACGCGCGCTGGGGCCGCTGGCGCGGGGGCG[G>A]CGGCGGGCGCGCTGGGCCTGCTCTGGGGCTCGCTGTTCGGCGGCGGCCTGGTGGAGGGCG-3'
Protein context (NP_000531.2, residues 4341-4361): TRAGAAGAGA[Ala4351Thr]AGALGLLWGS